The following is an entry in ClinVar:

ClinVar aggregate classification (germline): Conflicting classifications of pathogenicity. Review status: criteria provided, conflicting classifications (1 of 4 stars). 3 submissions from 3 submitters: Likely pathogenic (1); Uncertain significance (1). 1 of the submissions does not count toward it. Last evaluated 2025-03-31.

Conditions:
HGSNAT-related disorders.
Mucopolysaccharidosis. Also called: Mucopolysaccharidoses. Identifiers: Orphanet 79213, MedGen C0026703, MeSH D009083, MONDO:0019249.
Retinitis pigmentosa 73 (RP73). Identifiers: Orphanet 791, MedGen C4225287, MONDO:0014687, OMIM 616544.
Mucopolysaccharidosis, MPS-III-C (MPS3C). Also called: SANFILIPPO SYNDROME C; mucopolysaccharidosis type 3C; Mucopolysaccharidosis type IIIC (Sanfilippo C); MPS IIIC (Sanfilippo Syndrome Type C); MUCOPOLYSACCHARIDOSIS, TYPE IIIC; MPS III C. Identifiers: Orphanet 581, Orphanet 79271, MedGen C0086649, MONDO:0009657, OMIM 252930.

Allele frequency attached by ClinVar (database versions not stated): gnomAD exomes below 0.00001.
gnomAD v4.1: 6 of 1,613,294 alleles (0.00037%); highest among the groups gnomAD compares: Non-Finnish European, 0.00051%; no homozygotes.

Submissions (3):

Labcorp Genetics (formerly Invitae), Labcorp
Classification: Uncertain significance for Retinitis pigmentosa 73; Mucopolysaccharidosis, MPS-III-C. Last evaluated: 2025-03-31. Review status: criteria provided, single submitter. Criteria: Invitae Variant Classification Sherloc (09022015). Collection method: clinical testing. Allele origin: germline.
Comment: This sequence change replaces serine, which is neutral and polar, with cysteine, which is neutral and slightly polar, at codon 539 of the HGSNAT protein (p.Ser539Cys). This variant is present in population databases (no rsID available, gnomAD 0.0009%). This missense change has been observed in individual(s) with mucopolysaccharidosis IIIC (PMID: 18024218). ClinVar contains an entry for this variant (Variation ID: 830366). An algorithm developed to predict the effect of missense changes on protein structure and function (PolyPhen-2) suggests that this variant is likely to be disruptive. Experimental studies have shown that this missense change affects HGSNAT function (PMID: 19823584, 20583299). In summary, the available evidence is currently insufficient to determine the role of this variant in disease. Therefore, it has been classified as a Variant of Uncertain Significance.

Blueprint Genetics
Classification: Likely pathogenic for HGSNAT-related disorders. Last evaluated: 2024-06-07. Review status: criteria provided, single submitter. Criteria: ACMG Guidelines, 2015. Collection method: clinical testing. Allele origin: germline. Affected: yes. Observed: 2 variant alleles.

GeneReviews
No classification provided. Condition: Mucopolysaccharidosis. Review status: no classification provided. Collection method: literature only. Allele origin: germline. Not counted in ClinVar's aggregate classification.

Literature cited by the submitters: PubMed 18024218 (cited by Labcorp Genetics (formerly Invitae), Labcorp and GeneReviews); PubMed 19823584 (cited by Labcorp Genetics (formerly Invitae), Labcorp); PubMed 20583299 (cited by Labcorp Genetics (formerly Invitae), Labcorp); PubMed 31536183 (cited by GeneReviews).

NM_152419.3(HGSNAT):c.1616C>G (p.Ser539Cys)

Gene: HGSNAT (heparan-alpha-glucosaminide N-acetyltransferase; plus strand). Cytogenetic location: 8p11.21.
Variant type: single nucleotide variant.
Coding change: c.1616C>G on transcript NM_152419.3 (MANE Select); coding-DNA position 1616, C replaced by G.
Protein change: p.Ser539Cys; replaces serine 539 with cysteine.
Molecular consequence: missense variant.
Genome position (GRCh38, 1-based): chr8:43,197,842, C>G. VCF-style: chr8-43197842-C-G. GRCh37 (hg19) VCF-style: chr8-43052985-C-G.
Other names: c.1703C>G, p.Ser568Cys (NM_001363227.2); c.1424C>G, p.Ser475Cys (NM_001363228.2); c.752C>G, p.Ser251Cys (NM_001363229.2); short protein forms S251C, S475C, S539C, S568C.
Identifiers: ClinVar variation 830366 (VCV000830366.6), dbSNP rs1372286994, ClinGen allele CA371120610.
Genomic context (GRCh38, chr8:43,197,842, plus strand): 5'-ATGCTGAAATTGGATTTGTTCCGTACGAGCACTGAAACGTCTCCTCCACCCCTCCCAGGT[C>G]CCTTTCGTATGTCACTACGCTCAGTTCTTTTGCCTTCTTCATCCTGCTGGTCCTGTACCC-3'
Protein context (NP_689632.2, residues 529-549): GFIPVNKNLW[Ser539Cys]LSYVTTLSSF